The following is an entry in ClinVar:

ClinVar aggregate classification (germline): Uncertain significance (1 of 4 stars; one submission).

Submission:

Women's Health and Genetics/Laboratory Corporation of America, LabCorp
Classification: Uncertain significance. Last evaluated: 2023-01-17. Review status: criteria provided, single submitter. Criteria: LabCorp Variant Classification Summary - May 2015. Collection method: clinical testing. Allele origin: germline.
Comment: Variant summary: The variant identified by MLPA or other technology involves the duplication of exons 13-15 in the PDE11A gene. A presumed nomenclature of c.(2043+1_2044-1)_(2345+1_2346-1)dup has been designated for the purposes of this classification. It has been assumed that this is a tandem duplication in direct orientation (Richardson_GIM_2018, Newman_AJHG_2015). Although exact breakpoints of this duplication are not known, it is expected to result in a frameshift in the PDE11A gene, predicted to cause a truncation of the encoded protein (leading to the loss of the C-terminal half of the catalytic domain (IPR002073)) or absence of the whole protein product due to nonsense mediated decay. The variant allele was found at a frequency of 0.00046 in 21694 control chromosomes in the gnomAD database (structural variants data set), including 1 homozygote, suggesting a benign role for the variant for high penetrance, severe, early onset diseases, but do not exclude the possibility of (moderate) risk associations. To our knowledge, no occurrence of c.(2043+1_2044-1)_(2345+1_2346-1)dup in individuals affected with Pigmented Nodular Adrenocortical Disease, Primary, 2 and no experimental evidence demonstrating its impact on protein function have been reported. One clinical diagnostic laboratory has submitted clinical-significance assessments for this variant to ClinVar after 2014 and classified the variant as uncertain significance. Loss-of-function- and hypomorphic variants in the PDE11A gene have been reported in association with various disease phenotypes, but were also frequently found in healthy controls (see e.g. PMIDs: 16767104, 17178847, 19549888, 22996146, 29574203, 35929507), therefore larger case-control studies are needed to clarify possible risk associations for loss-of-function variants in the PDE11A gene. Based on the evidence outlined above, the variant was classified as uncertain significance.

NC_000002.11:g.(178545632_178562059)_(178576607_178592385)dup

Gene: PDE11A (phosphodiesterase 11A; minus strand). Cytogenetic location: 2q31.2.
Variant type: Duplication.
Identifiers: ClinVar variation 2429261 (VCV002429261.3).